The following is an entry in ClinVar:

ClinVar aggregate classification (germline): Uncertain significance (1 of 4 stars; one submission).

Submission:

Labcorp Genetics (formerly Invitae), Labcorp
Classification: Uncertain significance. Last evaluated: 2023-12-07. Review status: criteria provided, single submitter. Criteria: Invitae Variant Classification Sherloc (09022015). Collection method: clinical testing. Allele origin: germline.
Comment: This sequence change replaces glycine, which is neutral and non-polar, with alanine, which is neutral and non-polar, at codon 85 of the EMC1 protein (p.Gly85Ala). This variant is not present in population databases (gnomAD no frequency). This variant has not been reported in the literature in individuals affected with EMC1-related conditions. ClinVar contains an entry for this variant (Variation ID: 2011272). Advanced modeling of protein sequence and biophysical properties (such as structural, functional, and spatial information, amino acid conservation, physicochemical variation, residue mobility, and thermodynamic stability) performed at Invitae indicates that this missense variant is expected to disrupt EMC1 protein function with a positive predictive value of 80%. In summary, the available evidence is currently insufficient to determine the role of this variant in disease. Therefore, it has been classified as a Variant of Uncertain Significance.

NM_015047.3(EMC1):c.254G>C (p.Gly85Ala)

Gene: EMC1 (ER membrane protein complex subunit 1; minus strand). Cytogenetic location: 1p36.13.
Variant type: single nucleotide variant.
Coding change: c.254G>C on transcript NM_015047.3 (MANE Select); coding-DNA position 254, G replaced by C.
Protein change: p.Gly85Ala; replaces glycine 85 with alanine.
Molecular consequence: missense variant. On other transcripts: intron variant (1).
Genome position (GRCh38, 1-based): chr1:19,243,982, C>G on the plus strand (G>C on the coding strand, the complement: EMC1 is on the minus strand). VCF-style: chr1-19243982-C-G. GRCh37 (hg19) VCF-style: chr1-19570476-C-G.
Other names: c.254G>C, p.Gly85Ala (NM_001271427.2, NM_001271428.2, NM_001375820.1 and 1 more transcripts); c.221-275G>C (NM_001271429.2); short protein forms G85A.
Identifiers: ClinVar variation 2011272 (VCV002011272.4), dbSNP rs769401932, ClinGen allele CA338773126.